The following is an entry in ClinVar:

NM_004364.5(CEBPA):c.408C>T (p.Ala136=)

Gene: CEBPA (CCAAT enhancer binding protein alpha; minus strand). Cytogenetic location: 19q13.11.
Variant type: single nucleotide variant.
Coding change: c.408C>T on transcript NM_004364.5 (MANE Select); coding-DNA position 408, C replaced by T.
Protein change: p.Ala136=; no amino-acid change (alanine 136 retained).
Molecular consequence: synonymous variant.
Genome position (GRCh38, 1-based): chr19:33,302,007, G>A on the plus strand (C>T on the coding strand, the complement: CEBPA is on the minus strand). VCF-style: chr19-33302007-G-A. GRCh37 (hg19) VCF-style: chr19-33792913-G-A.
Other names: c.51C>T, p.Ala17= (NM_001285829.2); c.513C>T, p.Ala171= (NM_001287424.2); c.366C>T, p.Ala122= (NM_001287435.2).
Identifiers: ClinVar variation 3626585 (VCV003626585.2).

ClinVar aggregate classification (germline): Uncertain significance (1 of 4 stars; one submission).

Conditions:
Acute myeloid leukemia (AML). Also called: Acute myeloid leukemia, adult; AML adult; Acute non-lymphocytic leukemia; Acute granulocytic leukemia; Leukemia, acute myeloid, somatic; Leukemia, acute myelogenous, somatic. Identifiers: Orphanet 519, MedGen C0023467, MeSH D015470, MONDO:0018874, OMIM 601626, HP:0004808. Disease mechanism: Constitutively activated FLT3.

Submission:

Labcorp Genetics (formerly Invitae), Labcorp
Classification: Uncertain significance for Acute myeloid leukemia. Last evaluated: 2024-05-02. Review status: criteria provided, single submitter. Criteria: Invitae Variant Classification Sherloc (09022015). Collection method: clinical testing. Allele origin: germline.
Comment: This sequence change affects codon 136 of the CEBPA mRNA. It is a 'silent' change, meaning that it does not change the encoded amino acid sequence of the CEBPA protein. The frequency data for this variant in the population databases is considered unreliable, as metrics indicate insufficient coverage at this position in the gnomAD database. This variant has not been reported in the literature in individuals affected with CEBPA-related conditions. In summary, the available evidence is currently insufficient to determine the role of this variant in disease. Therefore, it has been classified as a Variant of Uncertain Significance.